The following is an entry in ClinVar:

ClinVar aggregate classification (germline): Likely pathogenic (1 of 4 stars; one submission).

Conditions:
MAP3K7-related disorder.

Submission:

PreventionGenetics, part of Exact Sciences
Classification: Likely pathogenic for MAP3K7-related condition. Last evaluated: 2025-06-05. Review status: criteria provided, single submitter. Criteria: ACMG Guidelines, 2015. Collection method: clinical testing. Allele origin: germline.
Comment: The MAP3K7 c.328G>C variant is predicted to result in the amino acid substitution p.Gly110Arg. To our knowledge, this variant has not been reported in the literature or in a large population database (gnomAD), indicating this variant is rare. Two amino acid changes at this position, p.Gly110Cys and p.Gly110Asp, have been reported in families with cardiospondylocarpofacial syndrome (CSCF) (Le golf et al. 2016. PubMed ID: 27426734; van Woerden et al. 2022. PubMed ID: 35730652). This variant is interpreted as likely pathogenic.

NM_145331.3(MAP3K7):c.328G>C (p.Gly110Arg)

Gene: MAP3K7 (mitogen-activated protein kinase kinase kinase 7; minus strand). Cytogenetic location: 6q15.
Variant type: single nucleotide variant.
Coding change: c.328G>C on transcript NM_145331.3 (MANE Select); coding-DNA position 328, G replaced by C.
Protein change: p.Gly110Arg; replaces glycine 110 with arginine.
Molecular consequence: missense variant.
Genome position (GRCh38, 1-based): chr6:90,561,637, C>G on the plus strand (G>C on the coding strand, the complement: MAP3K7 is on the minus strand). VCF-style: chr6-90561637-C-G. GRCh37 (hg19) VCF-style: chr6-91271356-C-G.
Other names: c.328G>C, p.Gly110Arg (NM_003188.4, NM_145332.3, NM_145333.3); short protein forms G110R.
Identifiers: ClinVar variation 4997120 (VCV004997120.1).